The following is an entry in ClinVar:

ClinVar aggregate classification (germline): Pathogenic (1 of 4 stars; one submission).

Conditions:
Osteogenesis imperfecta type I (OI1). Also called: OI, TYPE I; OSTEOGENESIS IMPERFECTA TARDA; OSTEOGENESIS IMPERFECTA WITH BLUE SCLERAE; Osteogenesis imperfecta type 1; Classic Non-deforming Osteogenesis Imperfecta with Blue Sclerae; Lobstein disease. Identifiers: Orphanet 216796, Orphanet 666, MedGen C0023931, MONDO:0008146, OMIM 166200. Disease mechanism: loss of function.

Submission:

Labcorp Genetics (formerly Invitae), Labcorp
Classification: Pathogenic for Osteogenesis imperfecta type I. Last evaluated: 2022-09-27. Review status: criteria provided, single submitter. Criteria: Invitae Variant Classification Sherloc (09022015). Collection method: clinical testing. Allele origin: germline.
Comment: This variant is not present in population databases (gnomAD no frequency). For these reasons, this variant has been classified as Pathogenic. This variant has not been reported in the literature in individuals affected with COL1A1-related conditions. This sequence change creates a premature translational stop signal (p.Pro342Leufs*200) in the COL1A1 gene. It is expected to result in an absent or disrupted protein product. Loss-of-function variants in COL1A1 are known to be pathogenic (PMID: 7942841, 9295084, 9443882).

Literature cited by the submitters: PubMed 7942841; PubMed 9295084; PubMed 9443882.

NM_000088.4(COL1A1):c.1023_1024dup (p.Pro342fs)

Gene: COL1A1 (collagen type I alpha 1 chain; minus strand). Cytogenetic location: 17q21.33.
Variant type: Duplication.
Coding change: c.1023_1024dup on transcript NM_000088.4 (MANE Select); coding-DNA positions 1023 to 1024, 2 bases duplicated (TC; older notation c.1023_1024dupTC).
Protein change: p.Pro342fs; shifts the reading frame from proline 342.
Molecular consequence: frameshift variant.
Genome position (GRCh38, 1-based): chr17:50,195,955-50,195,956, GA duplicated on the plus strand (TC on the coding strand, the reverse complement: COL1A1 is on the minus strand). VCF-style (leftmost placement, unchanged base first): chr17-50195954-G-GGA. GRCh37 (hg19) VCF-style: chr17-48273315-G-GGA.
Other names: short protein forms P342fs.
Identifiers: ClinVar variation 2032980 (VCV002032980.4), dbSNP rs2509231687, ClinGen allele CA2580094145.